The following is an entry in ClinVar:

ClinVar aggregate classification (germline): Likely pathogenic (1 of 4 stars; one submission).

Conditions:
Metachromatic leukodystrophy (MLD). Also called: ARSA DEFICIENCY; CEREBROSIDE SULFATASE DEFICIENCY; Arylsulfatase A Deficiency; METACHROMATIC LEUKOENCEPHALOPATHY; SULFATIDE LIPIDOSIS; Cerebral sclerosis diffuse metachromatic form. Identifiers: Orphanet 512, MedGen C0023522, MONDO:0018868, OMIM 250100.

Submission:

Natera, Inc.
Classification: Likely pathogenic for Metachromatic leukodystrophy. Last evaluated: 2026-01-07. Review status: criteria provided, single submitter. Criteria: Natera Variant Classification Schema (03/2026). Collection method: clinical testing. Allele origin: germline.
Comment: The c.643C>T variant in ARSA is a nonsense variant predicted to introduce a stop codon at amino acid 215. This variant may result in a truncated or dysfunctional protein product. This variant is rare in the general population with a frequency below the threshold expected for the associated phenotype(s). Given the available evidence, this variant is classified as Likely Pathogenic.

NM_000487.6(ARSA):c.643C>T (p.Gln215Ter)

Gene: ARSA (arylsulfatase A; minus strand). Cytogenetic location: 22q13.33.
Variant type: single nucleotide variant.
Coding change: c.643C>T on transcript NM_000487.6 (MANE Select); coding-DNA position 643, C replaced by T.
Protein change: p.Gln215Ter; replaces glutamine 215 with a stop codon.
Molecular consequence: nonsense.
Genome position (GRCh38, 1-based): chr22:50,626,875, G>A on the plus strand (C>T on the coding strand, the complement: ARSA is on the minus strand). VCF-style: chr22-50626875-G-A. GRCh37 (hg19) VCF-style: chr22-51065303-G-A.
Other names: c.643C>T, p.Gln215Ter (NM_001085425.3, NM_001085426.3, NM_001085427.3); c.385C>T, p.Gln129Ter (NM_001085428.3, NM_001362782.2); short protein forms Q129*, Q215*.
Identifiers: ClinVar variation 4818451 (VCV004818451.1).
Genomic context (GRCh38, chr22:50,626,875, plus strand): 5'-TTGGGCCAAGATCACTTACGTGAGAGGCATAGTACAGGAAGAAGGGGCGATCCTGGCGCT[G>A]GGCGTCGGCCATGAGGTCATGGGCGAAAGCCATGTAGCGGGCCTCTAGTCCGGGCAGCCA-3'